The following is an entry in ClinVar:

ClinVar aggregate classification (germline): Uncertain significance (1 of 4 stars; one submission).

Allele frequency attached by ClinVar (database versions not stated): ExAC 0.00002; gnomAD 0.00003.
gnomAD v4.1: 14 of 1,614,032 alleles (0.00087%); highest among the groups gnomAD compares: East Asian, 0.0089%; no homozygotes.

Submission:

Labcorp Genetics (formerly Invitae), Labcorp
Classification: Uncertain significance. Last evaluated: 2024-09-28. Review status: criteria provided, single submitter. Criteria: Invitae Variant Classification Sherloc (09022015). Collection method: clinical testing. Allele origin: germline.
Comment: This sequence change affects an acceptor splice site in intron 23 of the FBN3 gene. It is expected to disrupt RNA splicing. Variants that disrupt the donor or acceptor splice site typically lead to a loss of protein function (PMID: 16199547), however the current clinical and genetic evidence is not sufficient to establish whether loss-of-function variants in FBN3 cause disease. This variant is present in population databases (rs767566930, gnomAD 0.02%). This variant has not been reported in the literature in individuals affected with FBN3-related conditions. ClinVar contains an entry for this variant (Variation ID: 2181744). Algorithms developed to predict the effect of sequence changes on RNA splicing suggest that this variant may disrupt the consensus splice site. In summary, the available evidence is currently insufficient to determine the role of this variant in disease. Therefore, it has been classified as a Variant of Uncertain Significance.

Literature cited by the submitters: PubMed 16199547.

NM_032447.5(FBN3):c.2957-2A>T

Gene: FBN3 (fibrillin 3; minus strand). Cytogenetic location: 19p13.2.
Variant type: single nucleotide variant.
Coding change: c.2957-2A>T on transcript NM_032447.5 (MANE Select); the canonical splice acceptor site of the intron before coding-DNA position 2957, A replaced by T.
Molecular consequence: splice acceptor variant.
Genome position (GRCh38, 1-based): chr19:8,123,591, T>A on the plus strand (A>T on the coding strand, the complement: FBN3 is on the minus strand). VCF-style: chr19-8123591-T-A. GRCh37 (hg19) VCF-style: chr19-8188475-T-A.
Other names: c.2957-2A>T (NM_001321431.2).
Identifiers: ClinVar variation 2181744 (VCV002181744.4), dbSNP rs767566930, ClinGen allele CA9152636.